The following is an entry in ClinVar:

ClinVar aggregate classification (germline): Likely pathogenic (1 of 4 stars; one submission).

Submission:

GeneDx
Classification: Likely pathogenic. Last evaluated: 2015-12-11. Review status: criteria provided, single submitter. Criteria: GeneDx Variant Classification (06012015). Collection method: clinical testing. Allele origin: germline. Affected: yes.
Comment: A novel c.33-1 G>C variant that is likely pathogenic has been identified in the PAFAH1B1 gene. The c.33-1 G>C variant has not been published as a pathogenic variant, nor has it been reported as a benign variant to our knowledge. It was not observed in approximately 6,500 individuals of European and African American ancestry in the NHLBI Exome Sequencing Project, indicating it is not a common benign variant in these populations. This substitution occurs at a position that is conserved across species. The c.33-1 G>C splice site variant in the PAFAH1B1 gene destroys the canonical splice acceptor site in intron 2. It is predicted to cause abnormal gene splicing, either leading to an abnormal message that is subject to nonsense-mediated mRNA decay, or to an abnormal protein product if the message is used for protein translation. However, in the absence of DNA/functional studies, the actual effect of the c.33-1 G>C sequence change is unknown. Therefore, this variant is likely pathogenic; however, the possibility that it is benign cannot be excluded.

NM_000430.4(PAFAH1B1):c.33-1G>C

Gene: PAFAH1B1 (platelet activating factor acetylhydrolase 1b regulatory subunit 1; plus strand). Cytogenetic location: 17p13.3.
Variant type: single nucleotide variant.
Coding change: c.33-1G>C on transcript NM_000430.4 (MANE Select); the canonical splice acceptor site of the intron before coding-DNA position 33, G replaced by C.
Molecular consequence: splice acceptor variant.
Genome position (GRCh38, 1-based): chr17:2,665,371, G>C. VCF-style: chr17-2665371-G-C. GRCh37 (hg19) VCF-style: chr17-2568665-G-C.
Identifiers: ClinVar variation 382036 (VCV000382036.2), dbSNP rs1057521243, ClinGen allele CA16607544.